The following is an entry in ClinVar:

ClinVar aggregate classification (germline): Uncertain significance (1 of 4 stars; one submission).

Conditions:
Autosomal recessive ataxia, Beauce type. Also called: Spinocerebellar ataxia, autosomal recessive 8; ATAXIA, RECESSIVE, OF BEAUCE; SYNE1-Related Autosomal Recessive Cerebellar Ataxia; SYNE1 Deficiency. Identifiers: Orphanet 88644, MedGen C1853116, MONDO:0012549, OMIM 610743.

Allele frequency attached by ClinVar (database versions not stated): gnomAD exomes below 0.00001; TOPMed below 0.00001.
gnomAD v4.1: 1 of 1,614,164 alleles (0.000062%); highest among the groups gnomAD compares: Non-Finnish European, 0.000085%; no homozygotes.

Submission:

Centre for Mendelian Genomics, University Medical Centre Ljubljana
Classification: Uncertain significance for Autosomal recessive ataxia, Beauce type. Last evaluated: 2019-10-02. Review status: criteria provided, single submitter. Criteria: ACMG Guidelines, 2015. Collection method: clinical testing. Allele origin: unknown. Affected: yes.
Comment: This variant was classified as: Uncertain significance. The available evidence on this variant's pathogenicity is insufficient or conflicting. The following ACMG criteria were applied in classifying this variant: PM2,PP3.

NM_182961.4(SYNE1):c.9827A>G (p.Asp3276Gly)

Gene: SYNE1 (spectrin repeat containing nuclear envelope protein 1; minus strand). Cytogenetic location: 6q25.2.
Variant type: single nucleotide variant.
Coding change: c.9827A>G on transcript NM_182961.4 (MANE Select); coding-DNA position 9827, A replaced by G.
Protein change: p.Asp3276Gly; replaces aspartic acid 3276 with glycine.
Molecular consequence: missense variant.
Genome position (GRCh38, 1-based): chr6:152,367,363, T>C on the plus strand (A>G on the coding strand, the complement: SYNE1 is on the minus strand). VCF-style: chr6-152367363-T-C. GRCh37 (hg19) VCF-style: chr6-152688498-T-C.
Other names: c.9848A>G, p.Asp3283Gly (NM_033071.5); short protein forms D3276G, D3283G.
Identifiers: ClinVar variation 931691 (VCV000931691.3), dbSNP rs188684213, ClinGen allele CA366136098.